The following is an entry in ClinVar:

ClinVar aggregate classification (germline): Pathogenic. Review status: criteria provided, multiple submitters, no conflicts (2 of 4 stars). 2 submissions from 2 submitters: Pathogenic (2). Last evaluated 2023-05-30.

Conditions:
Hereditary cancer-predisposing syndrome. Also called: Neoplastic Syndromes, Hereditary; Tumor predisposition; Hereditary Cancer Syndrome; Hereditary neoplastic syndrome. Identifiers: Orphanet 140162, MedGen C0027672, MeSH D009386, MONDO:0015356.
Familial cancer of breast. Also called: BREAST CANCER, FAMILIAL; Hereditary breast cancer; hereditary breast carcinoma. Identifiers: Orphanet 227535, MedGen C0346153, MONDO:0016419, OMIM 114480. Disease mechanism: loss of function.

Submissions (2):

Myriad Genetics, Inc.
Classification: Pathogenic for Familial cancer of breast. Last evaluated: 2023-05-30. Review status: criteria provided, single submitter. Criteria: Myriad Autosomal Dominant, Autosomal Recessive and X-Linked Classification Criteria (2023). Collection method: clinical testing. Allele origin: unknown.
Comment: This variant is considered pathogenic. This variant creates a termination codon and is predicted to result in premature protein truncation.

Ambry Genetics
Classification: Pathogenic for Hereditary cancer-predisposing syndrome. Last evaluated: 2014-12-26. Review status: criteria provided, single submitter. Criteria: Ambry Variant Classification Scheme 2023. Collection method: clinical testing. Allele origin: germline.
Comment: The p.E117* pathogenic mutation (also known as c.349G>T), located in coding exon 3 of the BRIP1 gene, results from a G to T substitution at nucleotide position 349. This changes the amino acid from a glutamic acid to a stop codon within coding exon 3. Since premature stop codons are typically deleterious in nature, this alteration is interpreted as a disease-causing mutation (ACMG Recommendations for Standards for Interpretation and Reporting of Sequence Variations. Revision 2007. Genet Med. 2008;10:294).

NM_032043.3(BRIP1):c.349G>T (p.Glu117Ter)

Gene: BRIP1 (BRCA1 interacting DNA helicase 1; minus strand). Cytogenetic location: 17q23.2.
Variant type: single nucleotide variant.
Coding change: c.349G>T on transcript NM_032043.3 (MANE Select); coding-DNA position 349, G replaced by T.
Protein change: p.Glu117Ter; replaces glutamic acid 117 with a stop codon.
Molecular consequence: nonsense.
Genome position (GRCh38, 1-based): chr17:61,857,088, C>A on the plus strand (G>T on the coding strand, the complement: BRIP1 is on the minus strand). VCF-style: chr17-61857088-C-A. GRCh37 (hg19) VCF-style: chr17-59934449-C-A.
Other names: short protein forms E117*.
Identifiers: ClinVar variation 187644 (VCV000187644.7), dbSNP rs786203890, ClinGen allele CA198178.